The following is an entry in ClinVar:

ClinVar aggregate classification (germline): Likely pathogenic (1 of 4 stars; one submission).

Conditions:
Autosomal recessive nonsyndromic hearing loss 77. Identifiers: Orphanet 90636, MedGen C2746083, MONDO:0013119, OMIM 613079.

Submission:

Myriad Genetics, Inc.
Classification: Likely pathogenic for Autosomal recessive nonsyndromic hearing loss 77. Last evaluated: 2022-05-05. Review status: criteria provided, single submitter. Criteria: Myriad Women's Health Autosomal Recessive and X-Linked Classification Criteria (2021). Collection method: clinical testing. Allele origin: unknown.
Comment: NM_144612.6(LOXHD1):c.5433T>A(C1811*) is expected to be pathogenic in the context of LOXHD1-related DFNB77 hearing loss and deafness. This variant is predicted to lead to an abnormal or absent protein product due to the creation of a premature termination codon in LOXHD1, a gene where loss-of-function variants are known to be pathogenic. Please note: this variant was assessed in the context of healthy population screening.

NM_001384474.1(LOXHD1):c.5619T>A (p.Cys1873Ter)

Gene: LOXHD1 (lipoxygenase homology PLAT domains 1; minus strand). Cytogenetic location: 18q21.1.
Variant type: single nucleotide variant.
Coding change: c.5619T>A on transcript NM_001384474.1 (MANE Select); coding-DNA position 5619, T replaced by A.
Protein change: p.Cys1873Ter; replaces cysteine 1873 with a stop codon.
Molecular consequence: nonsense.
Genome position (GRCh38, 1-based): chr18:46,507,611, A>T on the plus strand (T>A on the coding strand, the complement: LOXHD1 is on the minus strand). VCF-style: chr18-46507611-A-T. GRCh37 (hg19) VCF-style: chr18-44087574-A-T.
Other names: c.2286T>A, p.Cys762Ter (NM_001145472.3); c.336T>A, p.Cys112Ter (NM_001145473.3, NM_001173129.2); c.1998T>A, p.Cys666Ter (NM_001308013.2); c.5433T>A, p.Cys1811Ter (NM_144612.7); short protein forms C112*, C1811*, C1873*, C666*, C762*.
Identifiers: ClinVar variation 1726026 (VCV001726026.2), dbSNP rs2511495207, ClinGen allele CA402368092.
Genomic context (GRCh38, chr18:46,507,611, plus strand): 5'-GGTCTTAACTGCGACGGTGTAGGAGGTCCACTCCATCATTTCTTCCTCATCGATAACGGC[A>T]CACATTTCACACACCAGGGTCTTCTTGCCCTTCCGCTGGGACAGCCAGTCTCCATAGTAG-3'